The following is an entry in ClinVar:

ClinVar aggregate classification (germline): Uncertain significance (1 of 4 stars; one submission).

Submission:

Dasa
Classification: Uncertain significance. Last evaluated: 2025-11-12. Review status: criteria provided, single submitter. Criteria: DASA Assertion Criteria. Collection method: clinical testing. Allele origin: germline.
Comment: NM_003070.5(SMARCA2):c.691C>T (p.Gln231*) is a nonsense variant in SMARCA2 predicted to introduce a premature termination codon. This variant is absent from population databases. The currently available literature and clinical evidence are not sufficient to establish a definitive association between this variant and the reported condition. Therefore, this variant is classified as a variant of uncertain significance.

NM_003070.5(SMARCA2):c.691C>T (p.Gln231Ter)

Gene: SMARCA2 (SWI/SNF related BAF chromatin remodeling complex subunit ATPase 2; plus strand). Cytogenetic location: 9p24.3.
Variant type: single nucleotide variant.
Coding change: c.691C>T on transcript NM_003070.5 (MANE Select); coding-DNA position 691, C replaced by T.
Protein change: p.Gln231Ter; replaces glutamine 231 with a stop codon.
Molecular consequence: nonsense.
Genome position (GRCh38, 1-based): chr9:2,039,801, C>T. VCF-style: chr9-2039801-C-T. GRCh37 (hg19) VCF-style: chr9-2039801-C-T.
Other names: c.691C>T, p.Gln231Ter (NM_001289396.2, NM_001289397.2, NM_139045.4); short protein forms Q231*.
Identifiers: ClinVar variation 4886608 (VCV004886608.2).
Genomic context (GRCh38, chr9:2,039,801, plus strand): 5'-ACGTTGCCTGGCTTGCAGCAACAACAGCAGCAGCAACAGCAGCAGCAGCAGCAGCAGCAG[C>T]AGCAGCAGCAGCAGCAACAGCAGCCGCAGCAGCAGCCGCCGCAACCACAGACGCAGCAAC-3'